The following is an entry in ClinVar:

ClinVar aggregate classification (germline): Uncertain significance (1 of 4 stars; one submission).

Submission:

Labcorp Genetics (formerly Invitae), Labcorp
Classification: Uncertain significance. Last evaluated: 2024-03-28. Review status: criteria provided, single submitter. Criteria: Invitae Variant Classification Sherloc (09022015). Collection method: clinical testing. Allele origin: germline.
Comment: This sequence change replaces alanine, which is neutral and non-polar, with aspartic acid, which is acidic and polar, at codon 896 of the CTNNA1 protein (p.Ala896Asp). This variant is not present in population databases (gnomAD no frequency). This variant has not been reported in the literature in individuals affected with CTNNA1-related conditions. Advanced modeling of protein sequence and biophysical properties (such as structural, functional, and spatial information, amino acid conservation, physicochemical variation, residue mobility, and thermodynamic stability) performed at Invitae indicates that this missense variant is expected to disrupt CTNNA1 protein function with a positive predictive value of 80%. In summary, the available evidence is currently insufficient to determine the role of this variant in disease. Therefore, it has been classified as a Variant of Uncertain Significance.

NM_001903.5(CTNNA1):c.2687C>A (p.Ala896Asp)

Gene: CTNNA1 (catenin alpha 1; plus strand). Cytogenetic location: 5q31.2.
Variant type: single nucleotide variant.
Coding change: c.2687C>A on transcript NM_001903.5 (MANE Select); coding-DNA position 2687, C replaced by A.
Protein change: p.Ala896Asp; replaces alanine 896 with aspartic acid.
Molecular consequence: missense variant. On other transcripts: 3 prime UTR variant (5).
Genome position (GRCh38, 1-based): chr5:138,934,055, C>A. VCF-style: chr5-138934055-C-A. GRCh37 (hg19) VCF-style: chr5-138269744-C-A.
Other names: c.*232C>A (NM_001290307.3, NM_001324002.1, NM_001324003.1 and 2 more transcripts); c.2378C>A, p.Ala793Asp (NM_001290309.3); c.2318C>A, p.Ala773Asp (NM_001290310.3); c.1577C>A, p.Ala526Asp (NM_001290312.1, NM_001324000.1, NM_001323987.1 and 12 more transcripts); c.2687C>A, p.Ala896Asp (NM_001323982.2, NM_001323983.1, NM_001323984.2); c.1442C>A, p.Ala481Asp (NM_001324001.1); c.1238C>A, p.Ala413Asp (NM_001324006.1, NM_001324007.1, NM_001324008.1 and 2 more transcripts); c.1484C>A, p.Ala495Asp (NM_001324011.1); and 3 more; short protein forms A413D, A495D, A526D, A887D, A896D, A481D, A773D, A793D.
Identifiers: ClinVar variation 3647999 (VCV003647999.2).